The following is an entry in ClinVar:

ClinVar aggregate classification (germline): Likely benign. Review status: criteria provided, multiple submitters, no conflicts (2 of 4 stars). 2 submissions from 2 submitters: Likely benign (2). Last evaluated 2025-04-02.

Conditions:
DST-related disorder. Also called: DST-related disorders; DST-related condition.
Epidermolysis bullosa simplex 3, localized or generalized intermediate, with BP230 deficiency (EBS3). Also called: Epidermolysis bullosa simplex, autosomal recessive 2; Epidermolysis bullosa simplex due to BP230 deficiency. Identifiers: Orphanet 412181, MedGen C3809470, MONDO:0014180, OMIM 615425.
Hereditary sensory and autonomic neuropathy type 6. Also called: Neuropathy, hereditary sensory and autonomic, type VI; HSAN VI. Identifiers: Orphanet 314381, MedGen C3539003, MONDO:0013839, OMIM 614653.

Allele frequency attached by ClinVar (database versions not stated): gnomAD 0.00001 and 0.00002; gnomAD exomes 0.00001 and 0.00002; ExAC 0.00002; TOPMed 0.00002; 1000 Genomes Project 30x 0.00016; 1000 Genomes Project 0.00020.
gnomAD v4.1: 36 of 1,614,120 alleles (0.0022%); highest among the groups gnomAD compares: Middle Eastern, 0.016%; no homozygotes.

Submissions (2):

PreventionGenetics, part of Exact Sciences
Classification: Likely benign for DST-related condition. Last evaluated: 2025-04-02. Review status: criteria provided, single submitter. Criteria: ACMG Guidelines, 2015. Collection method: clinical testing. Allele origin: germline.
Comment: This variant is classified as likely benign based on ACMG/AMP sequence variant interpretation guidelines (Richards et al. 2015 PMID: 25741868, with internal and published modifications).

Labcorp Genetics (formerly Invitae), Labcorp
Classification: Likely benign for Epidermolysis bullosa simplex 3, localized or generalized intermediate, with BP230 deficiency; Hereditary sensory and autonomic neuropathy type 6. Last evaluated: 2023-02-22. Review status: criteria provided, single submitter. Criteria: Invitae Variant Classification Sherloc (09022015). Collection method: clinical testing. Allele origin: germline.

NM_001723.7(DST):c.3627C>T (p.Ala1209=)

Gene: DST (dystonin; minus strand). Cytogenetic location: 6p12.1.
Variant type: single nucleotide variant.
Coding change: c.3627C>T on transcript NM_001723.7 (MANE Plus Clinical); coding-DNA position 3627, C replaced by T.
Protein change: p.Ala1209=; no amino-acid change (alanine 1209 retained).
Molecular consequence: synonymous variant. On other transcripts: intron variant (10).
Genome position (GRCh38, 1-based): chr6:56,620,407, G>A on the plus strand (C>T on the coding strand, the complement: DST is on the minus strand). VCF-style: chr6-56620407-G-A. GRCh37 (hg19) VCF-style: chr6-56485205-G-A.
Other names: c.3627C>T (NM_001723.5); c.4830+4123C>T (NM_001144769.5); c.4929+4123C>T (NM_001374722.1, NM_001374736.1); c.4956+4123C>T (NM_001374734.1); c.4416+4123C>T (NM_001144770.2); c.4296+4123C>T (NM_001374730.1, NM_001386100.1, NM_183380.4 and 1 more transcripts); c.3318+4123C>T (NM_015548.5).
Identifiers: ClinVar variation 1594880 (VCV001594880.9), dbSNP rs538627825, ClinGen allele CA3870677.